The following is an entry in ClinVar:

NM_024996.7(GFM1):c.2118C>A (p.Cys706Ter)

Gene: GFM1 (G elongation factor mitochondrial 1; plus strand). Cytogenetic location: 3q25.32.
Variant type: single nucleotide variant.
Coding change: c.2118C>A on transcript NM_024996.7 (MANE Select); coding-DNA position 2118, C replaced by A.
Protein change: p.Cys706Ter; replaces cysteine 706 with a stop codon.
Molecular consequence: nonsense. On other transcripts: non-coding transcript variant (4), intron variant (1).
Genome position (GRCh38, 1-based): chr3:158,691,186, C>A. VCF-style: chr3-158691186-C-A. GRCh37 (hg19) VCF-style: chr3-158408975-C-A.
Other names: c.2175C>A, p.Cys725Ter (NM_001308164.2); c.2037C>A, p.Cys679Ter (NM_001374355.1); c.2001C>A, p.Cys667Ter (NM_001374356.1); c.1893C>A, p.Cys631Ter (NM_001374357.1); c.1659C>A, p.Cys553Ter (NM_001374358.1); c.1551C>A, p.Cys517Ter (NM_001374359.1); c.1434C>A, p.Cys478Ter (NM_001374361.1); c.1504-150C>A (NM_001374360.1); short protein forms C478*, C517*, C553*, C631*, C667*, C679*, C706*, C725*.
Identifiers: ClinVar variation 3767837 (VCV003767837.1).
Genomic context (GRCh38, chr3:158,691,186, plus strand): 5'-TGTTTGTTTTCAGGTCCCTCTAAATGATATGTTTGGTTATTCCACTGAACTTAGGTCATG[C>A]ACAGAGGTAGGCAAATTTAAACTTACCCTTCAAAAGACCACCCTACAGAATGATCATATT-3'

ClinVar aggregate classification (germline): Uncertain significance (1 of 4 stars; one submission).

Submission:

GeneDx
Classification: Uncertain significance. Last evaluated: 2024-09-05. Review status: criteria provided, single submitter. Criteria: GeneDx Variant Classification Process June 2021. Collection method: clinical testing. Allele origin: germline. Affected: yes.
Comment: Not observed at significant frequency in large population cohorts (gnomAD); Nonsense variant predicted to result in protein truncation as the last 46 amino acid(s) are lost; Has not been previously published as pathogenic or benign to our knowledge